The following is an entry in ClinVar:

NM_004595.5(SMS):c.875G>T (p.Trp292Leu)

Gene: SMS (spermine synthase; plus strand). Cytogenetic location: Xp22.11.
Variant type: single nucleotide variant.
Coding change: c.875G>T on transcript NM_004595.5 (MANE Select); coding-DNA position 875, G replaced by T.
Protein change: p.Trp292Leu; replaces tryptophan 292 with leucine.
Molecular consequence: missense variant.
Genome position (GRCh38, 1-based): chrX:21,985,153, G>T. VCF-style: chrX-21985153-G-T. GRCh37 (hg19) VCF-style: chrX-22003271-G-T.
Other names: c.716G>T, p.Trp239Leu (NM_001258423.2); short protein forms W239L, W292L.
Identifiers: ClinVar variation 1695523 (VCV001695523.3), dbSNP rs2146954029, ClinGen allele CA412570724.

ClinVar aggregate classification (germline): Likely pathogenic (1 of 4 stars; one submission).

Submission:

GeneDx
Classification: Likely pathogenic. Last evaluated: 2024-01-22. Review status: criteria provided, single submitter. Criteria: GeneDx Variant Classification Process June 2021. Collection method: clinical testing. Allele origin: germline. Affected: yes.
Comment: Not observed at significant frequency in large population cohorts (gnomAD); In silico analysis supports that this missense variant has a deleterious effect on protein structure/function; Has not been previously published as pathogenic or benign to our knowledge